The following is an entry in ClinVar:

NM_014727.3(KMT2B):c.5974G>T (p.Asp1992Tyr)

Gene: KMT2B (lysine methyltransferase 2B; plus strand). Cytogenetic location: 19q13.12.
Variant type: single nucleotide variant.
Coding change: c.5974G>T on transcript NM_014727.3 (MANE Select); coding-DNA position 5974, G replaced by T.
Protein change: p.Asp1992Tyr; replaces aspartic acid 1992 with tyrosine.
Molecular consequence: missense variant.
Genome position (GRCh38, 1-based): chr19:35,732,523, G>T. VCF-style: chr19-35732523-G-T. GRCh37 (hg19) VCF-style: chr19-36223424-G-T.
Other names: short protein forms D1992Y.
Identifiers: ClinVar variation 1031294 (VCV001031294.1), dbSNP rs771880175, ClinGen allele CA405424915.

ClinVar aggregate classification (germline): Uncertain significance (1 of 4 stars; one submission).

Conditions:
Dystonia 28, childhood-onset (DYT28). Also called: KMT2B-Related Dystonia (DYT-KMT2B). Identifiers: Orphanet 589618, MedGen C4310633, MONDO:0015004, OMIM 617284.

Submission:

Baylor Genetics
Classification: Uncertain significance for Dystonia 28, childhood-onset. Last evaluated: 2019-11-15. Review status: criteria provided, single submitter. Criteria: ACMG Guidelines, 2015. Collection method: clinical testing. Allele origin: unknown. Affected: yes.
Comment: This variant was determined to be of uncertain significance according to ACMG Guidelines, 2015 [PMID:25741868].